The following is an entry in ClinVar:

NM_020812.4(DOCK6):c.5561C>T (p.Thr1854Met)

Gene: DOCK6 (dedicator of cytokinesis 6; minus strand). Cytogenetic location: 19p13.2.
Variant type: single nucleotide variant.
Coding change: c.5561C>T on transcript NM_020812.4 (MANE Select); coding-DNA position 5561, C replaced by T.
Protein change: p.Thr1854Met; replaces threonine 1854 with methionine.
Molecular consequence: missense variant.
Genome position (GRCh38, 1-based): chr19:11,202,016, G>A on the plus strand (C>T on the coding strand, the complement: DOCK6 is on the minus strand). VCF-style: chr19-11202016-G-A. GRCh37 (hg19) VCF-style: chr19-11312692-G-A.
Other names: c.5666C>T, p.Thr1889Met (NM_001367830.1); c.5561C>T (NM_020812.2); short protein forms T1854M, T1889M.
Identifiers: ClinVar variation 1392786 (VCV001392786.9), dbSNP rs777898007, ClinGen allele CA9206424.

ClinVar aggregate classification (germline): Uncertain significance. Review status: criteria provided, multiple submitters, no conflicts (2 of 4 stars). 3 submissions from 3 submitters: Uncertain significance (3). Last evaluated 2025-07-03.

Conditions:
Inborn genetic diseases. Identifiers: MedGen C0950123, MeSH D030342.

Allele frequency attached by ClinVar (database versions not stated): gnomAD 0.00001; gnomAD exomes 0.00001; ExAC 0.00002; TOPMed 0.00002.
gnomAD v4.1: 28 of 1,613,936 alleles (0.0017%); highest among the groups gnomAD compares: East Asian, 0.0022%; no homozygotes.

Submissions (3):

Ambry Genetics
Classification: Uncertain significance for Inborn genetic diseases. Last evaluated: 2025-07-03. Review status: criteria provided, single submitter. Criteria: Ambry Variant Classification Scheme 2023. Collection method: clinical testing. Allele origin: germline.

Blueprint Genetics
Classification: Uncertain significance. Last evaluated: 2024-04-12. Review status: criteria provided, single submitter. Criteria: ACMG Guidelines, 2015. Collection method: clinical testing. Allele origin: germline.

Labcorp Genetics (formerly Invitae), Labcorp
Classification: Uncertain significance. Last evaluated: 2023-07-10. Review status: criteria provided, single submitter. Criteria: Invitae Variant Classification Sherloc (09022015). Collection method: clinical testing. Allele origin: germline.
Comment: This sequence change replaces threonine, which is neutral and polar, with methionine, which is neutral and non-polar, at codon 1854 of the DOCK6 protein (p.Thr1854Met). This variant is present in population databases (rs777898007, gnomAD 0.003%). This variant has not been reported in the literature in individuals affected with DOCK6-related conditions. ClinVar contains an entry for this variant (Variation ID: 1392786). Advanced modeling of protein sequence and biophysical properties (such as structural, functional, and spatial information, amino acid conservation, physicochemical variation, residue mobility, and thermodynamic stability) performed at Invitae indicates that this missense variant is expected to disrupt DOCK6 protein function. In summary, the available evidence is currently insufficient to determine the role of this variant in disease. Therefore, it has been classified as a Variant of Uncertain Significance.